The following is an entry in ClinVar:

ClinVar aggregate classification (germline): Likely pathogenic (1 of 4 stars; one submission).

Conditions:
Cryptorchidism. Also called: undescended testicle; Undescended testes. Identifiers: MedGen C0010417, MONDO:0009047, OMIM 219050, HP:0000028.

Submission:

Institute of Immunology and Genetics Kaiserslautern
Classification: Likely pathogenic for Cryptorchidism. Last evaluated: 2025-08-29. Review status: criteria provided, single submitter. Criteria: ACMG Guidelines, 2015. Collection method: clinical testing. Allele origin: germline. Affected: yes.
Comment: ACMG Criteria: PVS1, PM2; Variant was found in heterozygous state.

NM_005543.4(INSL3):c.176_182del (p.Ala59fs)

Gene: INSL3 (insulin like 3; minus strand). Cytogenetic location: 19p13.11.
Variant type: Deletion.
Coding change: c.176_182del on transcript NM_005543.4 (MANE Select); coding-DNA positions 176 to 182, 7 bases deleted (CGACCGG; older notation c.176_182delCGACCGG).
Protein change: p.Ala59fs; shifts the reading frame from alanine 59.
Molecular consequence: frameshift variant.
Genome position (GRCh38, 1-based): chr19:17,821,325-17,821,331, CCGGTCG deleted on the plus strand (CGACCGG on the coding strand, the reverse complement: INSL3 is on the minus strand); deleting any 7 consecutive bases within chr19:17,821,325-17,821,332 gives the same sequence; the c. name uses the placement nearest the transcript's 3' end. VCF-style (leftmost placement, unchanged base first): chr19-17821324-TCCGGTCG-T. GRCh37 (hg19) VCF-style: chr19-17932133-TCCGGTCG-T.
Other names: c.176_182del, p.Ala59fs (NM_001265587.2); short protein forms A59fs.
Identifiers: ClinVar variation 4279048 (VCV004279048.1).